The following is an entry in ClinVar:

NM_053025.4(MYLK):c.3324T>A (p.His1108Gln)

Gene: MYLK (myosin light chain kinase; minus strand). Cytogenetic location: 3q21.1.
Variant type: single nucleotide variant.
Coding change: c.3324T>A on transcript NM_053025.4 (MANE Select); coding-DNA position 3324, T replaced by A.
Protein change: p.His1108Gln; replaces histidine 1108 with glutamine.
Molecular consequence: missense variant.
Genome position (GRCh38, 1-based): chr3:123,700,144, A>T on the plus strand (T>A on the coding strand, the complement: MYLK is on the minus strand). VCF-style: chr3-123700144-A-T. GRCh37 (hg19) VCF-style: chr3-123418991-A-T.
Other names: c.2796T>A, p.His932Gln (NM_001321309.2); c.3117T>A, p.His1039Gln (NM_053026.4, NM_053028.4); c.3324T>A, p.His1108Gln (NM_053027.4); short protein forms H1108Q, H932Q, H1039Q.
Identifiers: ClinVar variation 2290486 (VCV002290486.3), dbSNP rs1201958248, ClinGen allele CA354229299.

ClinVar aggregate classification (germline): Uncertain significance. Review status: criteria provided, multiple submitters, no conflicts (2 of 4 stars). 2 submissions from 2 submitters: Uncertain significance (2). Last evaluated 2025-10-03.

Conditions:
Aortic aneurysm, familial thoracic 7 (AAT7). Also called: AORTIC DISSECTION, FAMILIAL, WITH OR WITHOUT AORTIC ANEURYSM. Identifiers: MedGen C3151077, MONDO:0013418, OMIM 613780.
Familial thoracic aortic aneurysm and aortic dissection (TAAD). Also called: Thoracic aortic aneurysms and dissections. Identifiers: Orphanet 91387, MedGen C4707243, MONDO:0019625.

Allele frequency attached by ClinVar (database versions not stated): TOPMed below 0.00001; gnomAD 0.00001.
gnomAD v4.1: 1 of 1,613,824 alleles (0.000062%); highest among the groups gnomAD compares: Non-Finnish European, 0.000085%; no homozygotes.

Submissions (2):

Labcorp Genetics (formerly Invitae), Labcorp
Classification: Uncertain significance for Aortic aneurysm, familial thoracic 7. Last evaluated: 2025-10-03. Review status: criteria provided, single submitter. Criteria: Invitae Variant Classification Sherloc (09022015). Collection method: clinical testing. Allele origin: germline.
Comment: This sequence change replaces histidine, which is basic and polar, with glutamine, which is neutral and polar, at codon 1108 of the MYLK protein (p.His1108Gln). This variant is not present in population databases (gnomAD no frequency). This variant has not been reported in the literature in individuals affected with MYLK-related conditions. ClinVar contains an entry for this variant (Variation ID: 2290486). Invitae Evidence Modeling of protein sequence and biophysical properties (such as structural, functional, and spatial information, amino acid conservation, physicochemical variation, residue mobility, and thermodynamic stability) indicates that this missense variant is not expected to disrupt MYLK protein function with a negative predictive value of 80%. In summary, the available evidence is currently insufficient to determine the role of this variant in disease. Therefore, it has been classified as a Variant of Uncertain Significance.

Ambry Genetics
Classification: Uncertain significance for Familial thoracic aortic aneurysm and aortic dissection. Last evaluated: 2022-05-25. Review status: criteria provided, single submitter. Criteria: Ambry Variant Classification Scheme 2023. Collection method: clinical testing. Allele origin: germline.